The following is an entry in ClinVar:

NM_022828.5(YTHDC2):c.3751T>C (p.Ser1251Pro)

Gene: YTHDC2 (YTH N6-methyladenosine RNA binding protein C2; plus strand). Cytogenetic location: 5q22.2.
Variant type: single nucleotide variant.
Coding change: c.3751T>C on transcript NM_022828.5 (MANE Select); coding-DNA position 3751, T replaced by C.
Protein change: p.Ser1251Pro; replaces serine 1251 with proline.
Molecular consequence: missense variant.
Genome position (GRCh38, 1-based): chr5:113,584,405, T>C. VCF-style: chr5-113584405-T-C. GRCh37 (hg19) VCF-style: chr5-112920102-T-C.
Other names: c.3751T>C (NM_022828.3); c.3265T>C, p.Ser1089Pro (NM_001345975.2); c.2851T>C, p.Ser951Pro (NM_001345976.2); short protein forms S1089P, S1251P, S951P.
Identifiers: ClinVar variation 3044950 (VCV003044950.3), dbSNP rs141717870, ClinGen allele CA3372544.
Genomic context (GRCh38, chr5:113,584,405, plus strand): 5'-AAGTACAAAGATAGAGGAATTTTACATCCTAAACGAGGTACTGAGGACCGATCAGATCAG[T>C]CTTCTCTGAAATCTACAGACAGCAGTAGTTACCCAAGTCCTTGTGCTAGTCCTTCTCCTC-3'
Protein context (NP_073739.3, residues 1241-1261): KRGTEDRSDQ[Ser1251Pro]SLKSTDSSSY

ClinVar aggregate classification (germline): Uncertain significance. Review status: criteria provided, single submitter (1 of 4 stars). 2 submissions from 2 submitters: Uncertain significance (1). 1 of the submissions does not count toward it. Last evaluated 2025-08-04.

Conditions:
YTHDC2-related disorder. Also called: YTHDC2-related condition.

Allele frequency attached by ClinVar (database versions not stated): gnomAD exomes 0.00011; ExAC 0.00041; ESP Exome Variant Server 0.00108; 1000 Genomes Project 30x 0.00109; 1000 Genomes Project 0.00120; gnomAD 0.00128; TOPMed 0.00141.
gnomAD v4.1: 357 of 1,613,876 alleles (0.022%); highest among the groups gnomAD compares: African/African-American, 0.44%; 1 homozygote.

Submissions (2):

Ambry Genetics
Classification: Uncertain significance. Last evaluated: 2025-08-04. Review status: criteria provided, single submitter. Criteria: Ambry Variant Classification Scheme 2023. Collection method: clinical testing. Allele origin: germline.

PreventionGenetics, part of Exact Sciences
Classification: Likely benign for YTHDC2-related condition. Last evaluated: 2019-10-14. Review status: no assertion criteria provided. Collection method: clinical testing. Allele origin: germline. Not counted in ClinVar's aggregate classification.
Comment: This variant is classified as likely benign based on ACMG/AMP sequence variant interpretation guidelines (Richards et al. 2015 PMID: 25741868, with internal and published modifications).